The following is an entry in ClinVar:

ClinVar aggregate classification (germline): Uncertain significance (1 of 4 stars; one submission).

Submission:

ISCA Site 6
Classification: Uncertain significance. Last evaluated: 2011-08-12. Review status: criteria provided, single submitter. Criteria: Kaminsky et al. (Genet Med. 2011). Collection method: clinical testing. Allele origin: unknown. Affected: yes. Observed: 1 variant allele.
Comment: Copy number variation identified through the course of routine clinical cytogenomic testing in postnatal populations. Clinical assertions have been curated as described in Kaminsky et al. 2011.

GRCh38/hg38 22q11.23(chr22:23338443-24577664)x3

Genes: ADORA2A (adenosine A2a receptor; plus strand), ADORA2A-AS1 (ADORA2A antisense RNA 1; minus strand), C22orf15 (chromosome 22 open reading frame 15; plus strand), CABIN1 (calcineurin binding protein 1; plus strand), CHCHD10 (coiled-coil-helix-coiled-coil-helix domain containing 10; minus strand) and 71 more. Cytogenetic location: 22q11.23.
Variant type: copy number gain.
Change: copy number 3 (three copies instead of two) of chr22:23,338,443-24,577,664 (1.24 Mb, GRCh38 coordinates, 1-based), cytogenetic band 22q11.23.
Identifiers: ClinVar variation 59341 (VCV000059341.2).